The following is an entry in ClinVar:

ClinVar aggregate classification (germline): Uncertain significance (1 of 4 stars; one submission).

Allele frequency attached by ClinVar (database versions not stated): ExAC 0.00002; TOPMed 0.00005; gnomAD 0.00008.
gnomAD v4.1: 17 of 1,613,480 alleles (0.0011%); highest among the groups gnomAD compares: African/African-American, 0.015%; no homozygotes.

Submission:

Labcorp Genetics (formerly Invitae), Labcorp
Classification: Uncertain significance. Last evaluated: 2022-05-31. Review status: criteria provided, single submitter. Criteria: Invitae Variant Classification Sherloc (09022015). Collection method: clinical testing. Allele origin: germline.
Comment: This sequence change replaces tyrosine, which is neutral and polar, with cysteine, which is neutral and slightly polar, at codon 595 of the ADAMTSL4 protein (p.Tyr595Cys). This variant is present in population databases (rs768181457, gnomAD 0.03%). This variant has not been reported in the literature in individuals affected with ADAMTSL4-related conditions. Algorithms developed to predict the effect of missense changes on protein structure and function (SIFT, PolyPhen-2, Align-GVGD) all suggest that this variant is likely to be disruptive. In summary, the available evidence is currently insufficient to determine the role of this variant in disease. Therefore, it has been classified as a Variant of Uncertain Significance.

NM_019032.6(ADAMTSL4):c.1784A>G (p.Tyr595Cys)

Genes: ADAMTSL4 (ADAMTS like 4; plus strand), ADAMTSL4-AS2 (ADAMTSL4 antisense RNA 2; minus strand). Cytogenetic location: 1q21.2.
Variant type: single nucleotide variant.
Coding change: c.1784A>G on transcript NM_019032.6 (MANE Select); coding-DNA position 1784, A replaced by G.
Protein change: p.Tyr595Cys; replaces tyrosine 595 with cysteine.
Molecular consequence: missense variant.
Genome position (GRCh38, 1-based): chr1:150,556,973, A>G. VCF-style: chr1-150556973-A-G. GRCh37 (hg19) VCF-style: chr1-150529449-A-G.
Other names: c.1853A>G, p.Tyr618Cys (NM_001288607.2, NM_001288608.2); c.1784A>G, p.Tyr595Cys (NM_001378596.1, NM_025008.5); short protein forms Y618C, Y595C.
Identifiers: ClinVar variation 1895752 (VCV001895752.2), dbSNP rs768181457, ClinGen allele CA1078404.